The following is an entry in ClinVar:

NM_001267550.2(TTN):c.72828del (p.Thr24278fs)

Genes: TTN-AS1 (TTN antisense RNA 1; plus strand), TTN (titin; minus strand). Cytogenetic location: 2q31.2.
Variant type: Deletion.
Coding change: c.72828del on transcript NM_001267550.2 (MANE Select); coding-DNA position 72828, one base deleted (T; older notation c.72828delT).
Protein change: p.Thr24278fs; shifts the reading frame from threonine 24278.
Molecular consequence: frameshift variant.
Genome position (GRCh38, 1-based): chr2:178,573,304, A deleted on the plus strand (T on the coding strand, the reverse complement: TTN is on the minus strand). VCF-style (leftmost placement, unchanged base first): chr2-178573303-GA-G. GRCh37 (hg19) VCF-style: chr2-179438030-GA-G.
Other names: c.67905del, p.Thr22637fs (NM_001256850.1); c.45633del, p.Thr15213fs (NM_003319.4); c.65124del, p.Thr21710fs (NM_133378.4); c.46008del, p.Thr15338fs (NM_133432.3); c.46209del, p.Thr15405fs (NM_133437.4); short protein forms T15213fs, T15338fs, T15405fs, T21710fs, T22637fs, T24278fs.
Identifiers: ClinVar variation 3759596 (VCV003759596.2).

ClinVar aggregate classification (germline): Likely pathogenic (1 of 4 stars; one submission).

Conditions:
Dilated cardiomyopathy 1G (CMD1G). Identifiers: Orphanet 154, MedGen C1858763, MONDO:0011400, OMIM 604145.
Autosomal recessive limb-girdle muscular dystrophy type 2J (LGMDR10). Also called: Limb-girdle muscular dystrophy, type 2J; MUSCULAR DYSTROPHY, LIMB-GIRDLE, AUTOSOMAL RECESSIVE 10. Identifiers: Orphanet 140922, MedGen C1837342, MONDO:0012127, OMIM 608807.

Submission:

Labcorp Genetics (formerly Invitae), Labcorp
Classification: Likely pathogenic for Dilated cardiomyopathy 1G; Autosomal recessive limb-girdle muscular dystrophy type 2J. Last evaluated: 2025-02-05. Review status: criteria provided, single submitter. Criteria: Invitae Variant Classification Sherloc (09022015). Collection method: clinical testing. Allele origin: germline.
Comment: This sequence change creates a premature translational stop signal (p.Thr24278Leufs*3) in the TTN gene. While this is not anticipated to result in nonsense mediated decay, it is expected to create a truncated TTN protein. This variant is not present in population databases (gnomAD no frequency). This variant has not been reported in the literature in individuals affected with TTN-related conditions. This variant is located in the A band of TTN (PMID: 25589632). Truncating variants in this region are significantly overrepresented in patients affected with dilated cardiomyopathy (PMID: 25589632). Truncating variants in this region have also been reported in individuals affected with autosomal recessive centronuclear myopathy (PMID: 23975875). In summary, the currently available evidence indicates that the variant is pathogenic, but additional data are needed to prove that conclusively. Therefore, this variant has been classified as Likely Pathogenic.

Literature cited by the submitters: PubMed 25589632; PubMed 23975875.